The following is an entry in ClinVar:

ClinVar aggregate classification (germline): Likely benign (1 of 4 stars; one submission).

gnomAD v4.1: 3 of 1,575,298 alleles (0.00019%); highest among the groups gnomAD compares: Non-Finnish European, 0.00026%; no homozygotes.

Submission:

CeGaT Center for Human Genetics Tuebingen
Classification: Likely benign. Last evaluated: 2026-08-01. Review status: criteria provided, single submitter. Criteria: CeGaT Center For Human Genetics Tuebingen Variant Classification Criteria Version 2. Collection method: clinical testing. Allele origin: germline. Affected: yes. Observed: 4 variant alleles.
Comment: BTBD17: BP4, BP7

NM_001080466.2(BTBD17):c.861G>T (p.Leu287=)

Gene: BTBD17 (BTB domain containing 17; minus strand). Cytogenetic location: 17q25.1.
Variant type: single nucleotide variant.
Coding change: c.861G>T on transcript NM_001080466.2 (MANE Select); coding-DNA position 861, G replaced by T.
Protein change: p.Leu287=; no amino-acid change (leucine 287 retained).
Molecular consequence: synonymous variant.
Genome position (GRCh38, 1-based): chr17:74,357,233, C>A on the plus strand (G>T on the coding strand, the complement: BTBD17 is on the minus strand). VCF-style: chr17-74357233-C-A. GRCh37 (hg19) VCF-style: chr17-72353372-C-A.
Identifiers: ClinVar variation 4084261 (VCV004084261.8).